The following is an entry in ClinVar:

ClinVar aggregate classification (germline): Uncertain significance. Review status: criteria provided, multiple submitters, no conflicts (2 of 4 stars). 3 submissions from 3 submitters: Uncertain significance (3). Last evaluated 2025-06-18.

Conditions:
Inborn genetic diseases. Identifiers: MedGen C0950123, MeSH D030342.

Allele frequency attached by ClinVar (database versions not stated): gnomAD exomes 0.00001; ExAC 0.00002; gnomAD 0.00002; TOPMed 0.00003.
gnomAD v4.1: 56 of 1,595,742 alleles (0.0035%); highest among the groups gnomAD compares: Non-Finnish European, 0.0044%; no homozygotes.

Submissions (3):

Ambry Genetics
Classification: Uncertain significance for Inborn genetic diseases. Last evaluated: 2025-06-18. Review status: criteria provided, single submitter. Criteria: Ambry Variant Classification Scheme 2023. Collection method: clinical testing. Allele origin: germline.

GeneDx
Classification: Uncertain significance. Last evaluated: 2024-06-01. Review status: criteria provided, single submitter. Criteria: GeneDx Variant Classification Process June 2021. Collection method: clinical testing. Allele origin: germline.
Comment: Not observed at significant frequency in large population cohorts (gnomAD); In silico analysis supports that this missense variant has a deleterious effect on protein structure/function; Has not been previously published as pathogenic or benign to our knowledge

Labcorp Genetics (formerly Invitae), Labcorp
Classification: Uncertain significance. Last evaluated: 2021-08-28. Review status: criteria provided, single submitter. Criteria: Invitae Variant Classification Sherloc (09022015). Collection method: clinical testing. Allele origin: germline.
Comment: This sequence change replaces tyrosine with cysteine at codon 48 of the MECR protein (p.Tyr48Cys). The tyrosine residue is highly conserved and there is a large physicochemical difference between tyrosine and cysteine. This variant is present in population databases (rs768742328, ExAC 0.01%). This variant has not been reported in the literature in individuals affected with MECR-related conditions. Algorithms developed to predict the effect of missense changes on protein structure and function are either unavailable or do not agree on the potential impact of this missense change (SIFT: "Deleterious"; PolyPhen-2: "Probably Damaging"; Align-GVGD: "Class C0"). In summary, the available evidence is currently insufficient to determine the role of this variant in disease. Therefore, it has been classified as a Variant of Uncertain Significance.

NM_016011.5(MECR):c.143A>G (p.Tyr48Cys)

Gene: MECR (mitochondrial trans-2-enoyl-CoA reductase; minus strand). Cytogenetic location: 1p35.3.
Variant type: single nucleotide variant.
Coding change: c.143A>G on transcript NM_016011.5 (MANE Select); coding-DNA position 143, A replaced by G.
Protein change: p.Tyr48Cys; replaces tyrosine 48 with cysteine.
Molecular consequence: missense variant. On other transcripts: 5 prime UTR variant (5), initiator codon variant (1), non-coding transcript variant (4).
Genome position (GRCh38, 1-based): chr1:29,230,764, T>C on the plus strand (A>G on the coding strand, the complement: MECR is on the minus strand). VCF-style: chr1-29230764-T-C. GRCh37 (hg19) VCF-style: chr1-29557276-T-C.
Other names: c.143A>G (NM_016011.2); c.-213A>G (NM_001024732.4); c.-417A>G (NM_001349711.2); c.-418A>G (NM_001349712.2); c.-295A>G (NM_001349713.2); c.-207A>G (NM_001349714.2); c.143A>G, p.Tyr48Cys (NM_001349715.2, NM_001349716.2); c.1A>G, p.Met1Val (NM_001349717.2); short protein forms M1V, Y48C.
Identifiers: ClinVar variation 1424869 (VCV001424869.12), dbSNP rs768742328, ClinGen allele CA725892.
Genomic context (GRCh38, chr1:29,230,764, plus strand): 5'-TTCCCCGGCTTCGGCGCCGTCTCTTACTCGACGACCTTGGCTGGATCCCCGTGGTGCCCA[T>C]AGACAAGCGCCCGGACCCGGGCAGGCTCGGCGGATGCGGAGTAGGAGGAGGCGGCAGGTC-3'
Protein context (NP_057095.4, residues 38-58): AEPARVRALV[Tyr48Cys]GHHGDPAKVV